The following is an entry in ClinVar:

NM_022893.4(BCL11A):c.1375G>A (p.Ala459Thr)

Gene: BCL11A (BCL11 transcription factor A; minus strand). Cytogenetic location: 2p16.1.
Variant type: single nucleotide variant.
Coding change: c.1375G>A on transcript NM_022893.4 (MANE Select); coding-DNA position 1375, G replaced by A.
Protein change: p.Ala459Thr; replaces alanine 459 with threonine.
Molecular consequence: missense variant. On other transcripts: intron variant (6).
Genome position (GRCh38, 1-based): chr2:60,461,537, C>T on the plus strand (G>A on the coding strand, the complement: BCL11A is on the minus strand). VCF-style: chr2-60461537-C-T. GRCh37 (hg19) VCF-style: chr2-60688672-C-T.
Other names: c.1273G>A, p.Ala425Thr (NM_001363864.1, NM_001365609.1, NM_001405711.1 and 2 more transcripts); c.1375G>A, p.Ala459Thr (NM_001405708.1, NM_001405709.1, NM_001405710.1 and 1 more transcripts); c.1219G>A, p.Ala407Thr (NM_001405713.1, NM_001405714.1, NM_001405715.1 and 3 more transcripts); c.1117G>A, p.Ala373Thr (NM_001405717.1, NM_001405718.1, NM_001405724.1); c.1042G>A, p.Ala348Thr (NM_001405720.1, NM_001405721.1); c.919G>A, p.Ala307Thr (NM_001405725.1, NM_001405726.1, NM_001405727.1 and 1 more transcripts); c.682G>A, p.Ala228Thr (NM_001405729.1); c.838G>A, p.Ala280Thr (NM_001405730.1); and 5 more; short protein forms A128T, A228T, A280T, A307T, A348T, A373T, A407T, A425T.
Identifiers: ClinVar variation 3026863 (VCV003026863.22), dbSNP rs2466236484, ClinGen allele CA347038158.

ClinVar aggregate classification (germline): Uncertain significance (1 of 4 stars; one submission).

gnomAD v4.1: 2 of 1,609,484 alleles (0.00012%); highest among the groups gnomAD compares: Non-Finnish European, 0.000085%; no homozygotes.

Submission:

CeGaT Center for Human Genetics Tuebingen
Classification: Uncertain significance. Last evaluated: 2024-01-01. Review status: criteria provided, single submitter. Criteria: CeGaT Center For Human Genetics Tuebingen Variant Classification Criteria Version 2. Collection method: clinical testing. Allele origin: germline. Affected: yes. Observed: 1 variant allele.
Comment: BCL11A: PM2